The following is an entry in ClinVar:

NM_013275.6(ANKRD11):c.3442G>A (p.Gly1148Ser)

Gene: ANKRD11 (ankyrin repeat domain 11; minus strand). Cytogenetic location: 16q24.3.
Variant type: single nucleotide variant.
Coding change: c.3442G>A on transcript NM_013275.6 (MANE Select); coding-DNA position 3442, G replaced by A.
Protein change: p.Gly1148Ser; replaces glycine 1148 with serine.
Molecular consequence: missense variant.
Genome position (GRCh38, 1-based): chr16:89,283,100, C>T on the plus strand (G>A on the coding strand, the complement: ANKRD11 is on the minus strand). VCF-style: chr16-89283100-C-T. GRCh37 (hg19) VCF-style: chr16-89349508-C-T.
Other names: c.3442G>A, p.Gly1148Ser (NM_001256182.2, NM_001256183.2); short protein forms G1148S.
Identifiers: ClinVar variation 1487825 (VCV001487825.8), dbSNP rs143417087, ClinGen allele CA8242357.

ClinVar aggregate classification (germline): Conflicting classifications of pathogenicity. Review status: criteria provided, conflicting classifications (1 of 4 stars). 3 submissions from 3 submitters: Uncertain significance (1); Likely benign (2). Last evaluated 2025-04-08.

Conditions:
KBG syndrome (KBGS). Also called: ANKRD11-Related KBG Syndrome. Identifiers: Orphanet 2332, MedGen C0220687, MONDO:0007846, OMIM 148050.
Multiple congenital anomalies/dysmorphic syndrome. Identifiers: Orphanet 68341, MedGen C5681310, MONDO:0019042.

Allele frequency attached by ClinVar (database versions not stated): ESP Exome Variant Server 0.00015; 1000 Genomes Project 0.00020; 1000 Genomes Project 30x 0.00031.
gnomAD v4.1: 82 of 1,613,912 alleles (0.0051%); highest among the groups gnomAD compares: Non-Finnish European, 0.0058%; no homozygotes.

Submissions (3):

Labcorp Genetics (formerly Invitae), Labcorp
Classification: Uncertain significance for KBG syndrome. Last evaluated: 2025-04-08. Review status: criteria provided, single submitter. Criteria: Invitae Variant Classification Sherloc (09022015). Collection method: clinical testing. Allele origin: germline.
Comment: This sequence change replaces glycine, which is neutral and non-polar, with serine, which is neutral and polar, at codon 1148 of the ANKRD11 protein (p.Gly1148Ser). This variant is present in population databases (rs143417087, gnomAD 0.01%). This missense change has been observed in individual(s) with KBG syndrome (PMID: 28449295). ClinVar contains an entry for this variant (Variation ID: 1487825). Invitae Evidence Modeling of protein sequence and biophysical properties (such as structural, functional, and spatial information, amino acid conservation, physicochemical variation, residue mobility, and thermodynamic stability) indicates that this missense variant is not expected to disrupt ANKRD11 protein function with a negative predictive value of 95%. In summary, the available evidence is currently insufficient to determine the role of this variant in disease. Therefore, it has been classified as a Variant of Uncertain Significance.

GeneDx
Classification: Likely benign. Last evaluated: 2021-04-26. Review status: criteria provided, single submitter. Criteria: GeneDx Variant Classification Process June 2021. Collection method: clinical testing. Allele origin: germline. Affected: yes.
Comment: See Variant Classification Assertion Criteria.

Cambridge Genomics Laboratory, East Genomic Laboratory Hub, NHS Genomic Medicine Service
Classification: Likely benign for Multiple congenital anomalies/dysmorphic syndrome. Last evaluated: 2019-06-28. Review status: criteria provided, single submitter. Criteria: ACGS Best Practice Guidelines for Variant Classification in Rare Disease 2020. Collection method: clinical testing. Allele origin: germline. Affected: yes. Observed: 1 variant allele.

Literature cited by the submitters: PubMed 28449295 (cited by Labcorp Genetics (formerly Invitae), Labcorp).